The following is an entry in ClinVar:

NM_031272.5(TEX14):c.4052A>G (p.Glu1351Gly)

Gene: TEX14 (testis expressed 14, intercellular bridge forming factor; minus strand). Cytogenetic location: 17q22.
Variant type: single nucleotide variant.
Coding change: c.4052A>G on transcript NM_031272.5 (MANE Select); coding-DNA position 4052, A replaced by G.
Protein change: p.Glu1351Gly; replaces glutamic acid 1351 with glycine.
Molecular consequence: missense variant.
Genome position (GRCh38, 1-based): chr17:58,564,881, T>C on the plus strand (A>G on the coding strand, the complement: TEX14 is on the minus strand). VCF-style: chr17-58564881-T-C. GRCh37 (hg19) VCF-style: chr17-56642242-T-C.
Other names: c.4190A>G, p.Glu1397Gly (NM_001201457.2); c.4172A>G, p.Glu1391Gly (NM_198393.4); short protein forms E1391G, E1397G, E1351G.
Identifiers: ClinVar variation 3176291 (VCV003176291.3), dbSNP rs150385172, ClinGen allele CA8675552.

ClinVar aggregate classification (germline): Uncertain significance. Review status: criteria provided, multiple submitters, no conflicts (2 of 4 stars). 2 submissions from 2 submitters: Uncertain significance (2). Last evaluated 2025-06-06.

Allele frequency attached by ClinVar (database versions not stated): gnomAD exomes 0.00002; TOPMed 0.00034; ESP Exome Variant Server 0.00077; ExAC 0.00007; gnomAD 0.00029.
gnomAD v4.1: 84 of 1,594,708 alleles (0.0053%); highest among the groups gnomAD compares: African/African-American, 0.093%; no homozygotes.

Submissions (2):

GeneDx
Classification: Uncertain significance. Last evaluated: 2025-06-06. Review status: criteria provided, single submitter. Criteria: GeneDx Variant Classification Process June 2021. Collection method: clinical testing. Allele origin: germline. Affected: yes.
Comment: In silico analysis supports that this missense variant has a deleterious effect on protein structure/function; Has not been previously published as pathogenic or benign to our knowledge

Ambry Genetics
Classification: Uncertain significance. Last evaluated: 2024-09-10. Review status: criteria provided, single submitter. Criteria: Ambry Variant Classification Scheme 2023. Collection method: clinical testing. Allele origin: germline.